The following is an entry in ClinVar:

NM_000094.4(COL7A1):c.6473G>A (p.Arg2158His)

Gene: COL7A1 (collagen type VII alpha 1 chain; minus strand). Cytogenetic location: 3p21.31.
Variant type: single nucleotide variant.
Coding change: c.6473G>A on transcript NM_000094.4 (MANE Select); coding-DNA position 6473, G replaced by A.
Protein change: p.Arg2158His; replaces arginine 2158 with histidine.
Molecular consequence: missense variant.
Genome position (GRCh38, 1-based): chr3:48,574,290, C>T on the plus strand (G>A on the coding strand, the complement: COL7A1 is on the minus strand). VCF-style: chr3-48574290-C-T. GRCh37 (hg19) VCF-style: chr3-48611723-C-T.
Other names: short protein forms R2158H.
Identifiers: ClinVar variation 915364 (VCV000915364.15), dbSNP rs138626345, ClinGen allele CA2379015.
Genomic context (GRCh38, chr3:48,574,290, plus strand): 5'-GCCTGGGGCCAGGTGCTTCAGCCACCACTCACCGGCTTCCCTTCAGGCCCAGCCATACCA[C>T]GCTCTCCTGGTAGACCCTGCAGAGAATAGGTTTAAGGCCTTAGTTTCCCAGTTCCAACTT-3'
Protein context (NP_000085.1, residues 2148-2168): QDGNPGLPGE[Arg2158His]GMAGPEGKPG

ClinVar aggregate classification (germline): Conflicting classifications of pathogenicity. Review status: criteria provided, conflicting classifications (1 of 4 stars). 7 submissions from 7 submitters: Likely pathogenic (1); Uncertain significance (5). 1 of the submissions does not count toward it. Last evaluated 2026-01-19.

Conditions:
Inborn genetic diseases. Identifiers: MedGen C0950123, MeSH D030342.
Epidermolysis bullosa dystrophica inversa, autosomal recessive. Identifiers: MedGen C2673612.

Allele frequency attached by ClinVar (database versions not stated): gnomAD 0.00005 and 0.00004; TOPMed 0.00008; ESP Exome Variant Server 0.00008; 1000 Genomes Project 30x 0.00016; 1000 Genomes Project 0.00020; ExAC 0.00007; gnomAD exomes 0.00010.
gnomAD v4.1: 66 of 1,614,126 alleles (0.0041%); highest among the groups gnomAD compares: Middle Eastern, 0.049%; no homozygotes.

Submissions (7):

Labcorp Genetics (formerly Invitae), Labcorp
Classification: Uncertain significance. Last evaluated: 2026-01-19. Review status: criteria provided, single submitter. Criteria: Invitae Variant Classification Sherloc (09022015). Collection method: clinical testing. Allele origin: germline.
Comment: This sequence change replaces arginine, which is basic and polar, with histidine, which is basic and polar, at codon 2158 of the COL7A1 protein (p.Arg2158His). This variant is present in population databases (rs138626345, gnomAD 0.02%). This variant has not been reported in the literature in individuals affected with COL7A1-related conditions. ClinVar contains an entry for this variant (Variation ID: 915364). Invitae Evidence Modeling of protein sequence and biophysical properties (such as structural, functional, and spatial information, amino acid conservation, physicochemical variation, residue mobility, and thermodynamic stability) has been performed for this missense variant. However, the output from this modeling did not meet the statistical confidence thresholds required to predict the impact of this variant on COL7A1 protein function. In summary, the available evidence is currently insufficient to determine the role of this variant in disease. Therefore, it has been classified as a Variant of Uncertain Significance.

Women's Health and Genetics/Laboratory Corporation of America, LabCorp
Classification: Uncertain significance. Last evaluated: 2025-12-19. Review status: criteria provided, single submitter. Criteria: LabCorp Variant Classification Summary - May 2015. Collection method: clinical testing. Allele origin: germline.
Comment: Variant summary: COL7A1 c.6473G>A (p.Arg2158His) results in a non-conservative amino acid change in the encoded protein sequence. Algorithms developed to predict the effect of missense changes on protein structure and function are either unavailable or do not agree on the potential impact of this missense change. The variant allele was found at a frequency of 9.5e-05 in 251438 control chromosomes. This frequency is not significantly higher than estimated for disease-causing variants in COL7A1, allowing no conclusion about variant significance. To our knowledge, no occurrence of c.6473G>A in individuals affected with COL7A1-related conditions and no experimental evidence demonstrating its impact on protein function have been reported. ClinVar contains an entry for this variant (Variation ID: 915364). Based on the evidence outlined above, the variant was classified as uncertain significance.

Blueprint Genetics
Classification: Uncertain significance. Last evaluated: 2024-11-04. Review status: criteria provided, single submitter. Criteria: ACMG Guidelines, 2015. Collection method: clinical testing. Allele origin: germline.

Ambry Genetics
Classification: Uncertain significance for Inborn genetic diseases. Last evaluated: 2023-12-11. Review status: criteria provided, single submitter. Criteria: Ambry Variant Classification Scheme 2023. Collection method: clinical testing. Allele origin: germline.

Genomic Research Center, Shahid Beheshti University of Medical Sciences
Classification: Likely pathogenic. Last evaluated: 2020-05-03. Review status: criteria provided, single submitter. Criteria: ACMG Guidelines, 2015. Collection method: clinical testing. Allele origin: unknown. Affected: no.

Revvity Omics, Revvity
Classification: Uncertain significance. Last evaluated: 2019-12-30. Review status: criteria provided, single submitter. Criteria: ACMG Guidelines, 2015. Collection method: clinical testing. Allele origin: germline.

Natera, Inc.
Classification: Uncertain significance for Autosomal recessive epidermolysis bullosa dystrophica inversa. Last evaluated: 2020-10-08. Review status: no assertion criteria provided. Collection method: clinical testing. Allele origin: germline. Not counted in ClinVar's aggregate classification.